The following is an entry in ClinVar:

ClinVar aggregate classification (germline): Likely pathogenic. Review status: criteria provided, multiple submitters, no conflicts (2 of 4 stars). 2 submissions from 2 submitters: Likely pathogenic (2). Last evaluated 2026-06-02.

Conditions:
Multiple congenital anomalies-hypotonia-seizures syndrome 1 (MCAHS1). Also called: GLYCOSYLPHOSPHATIDYLINOSITOL BIOSYNTHESIS DEFECT 3; PIGN-CDG; Congenital disorder of glycosylation due to PIGN deficiency. Identifiers: Orphanet 280633, MedGen C3279775, MONDO:0013563, OMIM 614080.

gnomAD v4.1: 17 of 1,535,170 alleles (0.0011%); highest among the groups gnomAD compares: Non-Finnish European, 0.0015%; no homozygotes.

Submissions (2):

Women's Health and Genetics/Laboratory Corporation of America, LabCorp
Classification: Likely pathogenic for Multiple congenital anomalies-hypotonia-seizures syndrome 1. Last evaluated: 2026-06-02. Review status: criteria provided, single submitter. Criteria: LabCorp Variant Classification Summary - May 2015. Collection method: clinical testing. Allele origin: germline.
Comment: Variant summary: PIGN c.2370+1G>A is located in a canonical splice-site and is predicted to affect mRNA splicing resulting in a significantly altered protein due to either exon skipping, shortening, or inclusion of intronic material. Variants that disrupt the consensus splice site are a relatively common cause of aberrant splicing and loss of PIGN function. Consensus agreement among computation tools predict no significant impact on normal splicing. However, these predictions have yet to be confirmed by functional studies. The variant allele was found at a frequency of 5.7e-06 in 175294 control chromosomes (gnomAD). To our knowledge, no occurrence of c.2370+1G>A in individuals affected with PIGN-related conditions and no experimental evidence demonstrating its impact on protein function have been reported. ClinVar contains an entry for this variant (Variation ID: 3612957). Based on the evidence outlined above, the variant was classified as likely pathogenic.

Labcorp Genetics (formerly Invitae), Labcorp
Classification: Likely pathogenic for Multiple congenital anomalies-hypotonia-seizures syndrome 1. Last evaluated: 2024-02-22. Review status: criteria provided, single submitter. Criteria: Invitae Variant Classification Sherloc (09022015). Collection method: clinical testing. Allele origin: germline.
Comment: This sequence change affects a donor splice site in intron 25 of the PIGN gene. It is expected to disrupt RNA splicing. Variants that disrupt the donor or acceptor splice site typically lead to a loss of protein function (PMID: 16199547), and loss-of-function variants in PIGN are known to be pathogenic (PMID: 24253414, 27038415). The frequency data for this variant in the population databases is considered unreliable, as metrics indicate poor data quality at this position in the gnomAD database. This variant has not been reported in the literature in individuals affected with PIGN-related conditions. Algorithms developed to predict the effect of sequence changes on RNA splicing suggest that this variant may disrupt the consensus splice site. In summary, the currently available evidence indicates that the variant is pathogenic, but additional data are needed to prove that conclusively. Therefore, this variant has been classified as Likely Pathogenic.

Literature cited by the submitters: PubMed 16199547 (cited by Labcorp Genetics (formerly Invitae), Labcorp); PubMed 24253414 (cited by Labcorp Genetics (formerly Invitae), Labcorp); PubMed 27038415 (cited by Labcorp Genetics (formerly Invitae), Labcorp).

NM_176787.5(PIGN):c.2370+1G>A

Gene: PIGN (phosphatidylinositol glycan anchor biosynthesis class N; minus strand). Cytogenetic location: 18q21.33.
Variant type: single nucleotide variant.
Coding change: c.2370+1G>A on transcript NM_176787.5 (MANE Select); the canonical splice donor site of the intron after coding-DNA position 2370, G replaced by A.
Molecular consequence: splice donor variant.
Genome position (GRCh38, 1-based): chr18:62,088,755, C>T on the plus strand (G>A on the coding strand, the complement: PIGN is on the minus strand). VCF-style: chr18-62088755-C-T. GRCh37 (hg19) VCF-style: chr18-59755988-C-T.
Other names: c.2370+1G>A (NM_012327.6).
Identifiers: ClinVar variation 3612957 (VCV003612957.3).